The following is an entry in ClinVar:

NM_023011.4(UPF3A):c.208-5C>T

Gene: UPF3A (UPF3A regulator of nonsense mediated mRNA decay; plus strand). Cytogenetic location: 13q34.
Variant type: single nucleotide variant.
Coding change: c.208-5C>T on transcript NM_023011.4 (MANE Select); 5 bases into the intron before coding-DNA position 208, C replaced by T.
Molecular consequence: intron variant. On other transcripts: 5 prime UTR variant (5), non-coding transcript variant (11).
Genome position (GRCh38, 1-based): chr13:114,282,016, C>T. VCF-style: chr13-114282016-C-T. GRCh37 (hg19) VCF-style: chr13-115047491-C-T.
Other names: c.-302C>T (NM_001353646.1, NM_001353649.1); c.-401C>T (NM_001353647.1); c.-666C>T (NM_001353650.1, NM_001353645.1); c.208-5C>T (NM_080687.3, NM_001353652.2, NM_001353651.2); c.-183+170C>T (NM_001353644.2).
Identifiers: ClinVar variation 2644018 (VCV002644018.24), dbSNP rs185988759, ClinGen allele CA7070099.
Genomic context (GRCh38, chr13:114,282,016, plus strand): 5'-GCGGTGCCTTTTGAGCTCCTTGTCCACGCTCCGCCCCGGTGGGAACGGCCGCGCGCTCCC[C>T]GCAGGTGGTCATCCGCCGCCTGCCTCCGGGCCTCACCAAGGAGCAGCTGGAGGAGCAGCT-3'

ClinVar aggregate classification (germline): Likely benign (1 of 4 stars; one submission).

Allele frequency attached by ClinVar (database versions not stated): TOPMed 0.00004; gnomAD 0.00005; gnomAD exomes 0.00005; 1000 Genomes Project 30x 0.00078; ExAC 0.00290.
gnomAD v4.1: 86 of 1,549,652 alleles (0.0055%); highest among the groups gnomAD compares: Middle Eastern, 0.16%; no homozygotes.

Submission:

CeGaT Center for Human Genetics Tuebingen
Classification: Likely benign. Last evaluated: 2022-10-01. Review status: criteria provided, single submitter. Criteria: CeGaT Center For Human Genetics Tuebingen Variant Classification Criteria Version 2. Collection method: clinical testing. Allele origin: germline. Affected: yes. Observed: 1 variant allele.
Comment: UPF3A: BP4